The following is an entry in ClinVar:

NM_001365480.1(CCDC88A):c.2677C>T (p.Leu893Phe)

Gene: CCDC88A (coiled-coil and HOOK domain protein 88A; minus strand). Cytogenetic location: 2p16.1.
Variant type: single nucleotide variant.
Coding change: c.2677C>T on transcript NM_001365480.1 (MANE Select); coding-DNA position 2677, C replaced by T.
Protein change: p.Leu893Phe; replaces leucine 893 with phenylalanine.
Molecular consequence: missense variant.
Genome position (GRCh38, 1-based): chr2:55,334,144, G>A on the plus strand (C>T on the coding strand, the complement: CCDC88A is on the minus strand). VCF-style: chr2-55334144-G-A. GRCh37 (hg19) VCF-style: chr2-55561280-G-A.
Other names: c.2677C>T, p.Leu893Phe (NM_001135597.2, NM_001254943.2, NM_018084.5); short protein forms L893F.
Identifiers: ClinVar variation 2012857 (VCV002012857.4), dbSNP rs2544834989, ClinGen allele CA346897452.

ClinVar aggregate classification (germline): Uncertain significance (1 of 4 stars; one submission).

Submission:

Labcorp Genetics (formerly Invitae), Labcorp
Classification: Uncertain significance. Last evaluated: 2024-10-25. Review status: criteria provided, single submitter. Criteria: Invitae Variant Classification Sherloc (09022015). Collection method: clinical testing. Allele origin: germline.
Comment: This sequence change replaces leucine, which is neutral and non-polar, with phenylalanine, which is neutral and non-polar, at codon 893 of the CCDC88A protein (p.Leu893Phe). This variant is not present in population databases (gnomAD no frequency). This variant has not been reported in the literature in individuals affected with CCDC88A-related conditions. ClinVar contains an entry for this variant (Variation ID: 2012857). An algorithm developed to predict the effect of missense changes on protein structure and function (PolyPhen-2) suggests that this variant is likely to be disruptive. In summary, the available evidence is currently insufficient to determine the role of this variant in disease. Therefore, it has been classified as a Variant of Uncertain Significance.